The following is an entry in ClinVar:

ClinVar aggregate classification (germline): Likely benign. Review status: reviewed by expert panel (3 of 4 stars). 4 submissions from 4 submitters: Likely benign (1). 3 of the submissions do not count toward it. Last evaluated 2023-11-13.

Conditions:
Hereditary thrombocytopenia and hematological cancer predisposition syndrome associated with RUNX1. Also called: Familial Platelet Disorder with Propensity to Acute Myelogenous Leukemia; Familial thrombocytopenia with propensity to acute myelogenous leukemia; PLATELET DISORDER, ASPIRIN-LIKE; RUNX1 Familial Platelet Disorder with Associated Myeloid Malignancies. Identifiers: Orphanet 71290, MedGen C1832388, MeSH C563324, MONDO:0100083, OMIM 601399.
Hereditary thrombocytopenia and hematologic cancer predisposition syndrome. Identifiers: Orphanet 71290, MedGen CN281654, MONDO:0011071.
Hereditary cancer-predisposing syndrome. Also called: Tumor predisposition; Hereditary Cancer Syndrome; Hereditary neoplastic syndrome; Neoplastic Syndromes, Hereditary. Identifiers: Orphanet 140162, MedGen C0027672, MeSH D009386, MONDO:0015356.
Inborn genetic diseases. Identifiers: MedGen C0950123, MeSH D030342.

Allele frequency attached by ClinVar (database versions not stated): gnomAD exomes below 0.00001; gnomAD 0.00001.
gnomAD v4.1: 3 of 1,540,942 alleles (0.00019%); highest among the groups gnomAD compares: Non-Finnish European, 0.00017%; no homozygotes.

Submissions (4):

ClinGen Myeloid Malignancy Variant Curation Expert Panel
Classification: Likely benign for Hereditary thrombocytopenia and hematologic cancer predisposition syndrome. Last evaluated: 2023-11-13. Review status: reviewed by expert panel. Criteria: ClinGen MyeloMalig ACMG Specifications v2. Collection method: curation. Allele origin: germline. Inheritance: Autosomal dominant inheritance.
Comment: NM_001754.5(RUNX1):c.1287G>A (p.Leu429=) is a synonymous variant. This variant has been seen once in gnomADv3.1.2 at a MAF of 0.0002895 (0.02895%, 1/3454 in the Ashkenazi Jewish sub-population). It does not meet any population criteria. Evolutionary conservation prediction algorithms predict the site is not-conserved (phyloP100 way score 0.170 < 2.0 ) and there is no splice impact SpliceAI<0.2 (0)(BP7, BP4). The variant has not been reported in patients with the RUNX1-defined phenotype. In summary, this variant meets criteria to be classified as likely benign. ACMG/AMP criteria applied, as specified by the Myeloid Malignancy Variant Curation Expert Panel for RUNX1:BP7, BP4.

Labcorp Genetics (formerly Invitae), Labcorp
Classification: Likely benign for Hereditary thrombocytopenia and hematological cancer predisposition syndrome associated with RUNX1. Last evaluated: 2025-12-01. Review status: criteria provided, single submitter. Criteria: Invitae Variant Classification Sherloc (09022015). Collection method: clinical testing. Allele origin: germline. Not counted in ClinVar's aggregate classification.

Ambry Genetics
Classification: Likely benign for Inborn genetic diseases. Last evaluated: 2025-05-01. Review status: criteria provided, single submitter. Criteria: Ambry Variant Classification Scheme 2023. Collection method: clinical testing. Allele origin: germline. Not counted in ClinVar's aggregate classification.

Sema4
Classification: Likely benign for Hereditary cancer-predisposing syndrome. Last evaluated: 2022-01-13. Review status: criteria provided, single submitter. Criteria: Sema4 Curation Guidelines. Collection method: curation. Allele origin: germline. Not counted in ClinVar's aggregate classification.

NM_001754.5(RUNX1):c.1287G>A (p.Leu429=)

Gene: RUNX1 (RUNX family transcription factor 1; minus strand). Cytogenetic location: 21q22.12.
Variant type: single nucleotide variant.
Coding change: c.1287G>A on transcript NM_001754.5 (MANE Select); coding-DNA position 1287, G replaced by A.
Protein change: p.Leu429=; no amino-acid change (leucine 429 retained).
Molecular consequence: synonymous variant.
Genome position (GRCh38, 1-based): chr21:34,792,291, C>T on the plus strand (G>A on the coding strand, the complement: RUNX1 is on the minus strand). VCF-style: chr21-34792291-C-T. GRCh37 (hg19) VCF-style: chr21-36164588-C-T.
Other names: NM_001754.5(RUNX1):c.1287G>A; p.Leu429=; c.1206G>A, p.Leu402= (NM_001001890.3).
Identifiers: ClinVar variation 1133066 (VCV001133066.12), dbSNP rs1213507506, ClinGen allele CA512341113.